The following is an entry in ClinVar:

ClinVar aggregate classification (germline): Uncertain significance (1 of 4 stars; one submission).

Conditions:
Charcot-Marie-Tooth disease type 4. Also called: Charcot-Marie-Tooth disease, type IV; Charcot-Marie-Tooth, Type 4. Identifiers: Orphanet 64749, MedGen C4082197, MONDO:0018995.

Allele frequency attached by ClinVar (database versions not stated): gnomAD exomes below 0.00001.
gnomAD v4.1: 1 of 1,613,792 alleles (0.000062%); highest among the groups gnomAD compares: Non-Finnish European, 0.000085%; no homozygotes.

Submission:

Labcorp Genetics (formerly Invitae), Labcorp
Classification: Uncertain significance for Charcot-Marie-Tooth disease type 4. Last evaluated: 2020-02-18. Review status: criteria provided, single submitter. Criteria: Invitae Variant Classification Sherloc (09022015). Collection method: clinical testing. Allele origin: germline.
Comment: This sequence change replaces glutamine with arginine at codon 61 of the FIG4 protein (p.Gln61Arg). The glutamine residue is moderately conserved and there is a small physicochemical difference between glutamine and arginine. This variant is not present in population databases (ExAC no frequency). This variant has not been reported in the literature in individuals with FIG4-related conditions. Algorithms developed to predict the effect of missense changes on protein structure and function (SIFT, PolyPhen-2, Align-GVGD) all suggest that this variant is likely to be tolerated, but these predictions have not been confirmed by published functional studies and their clinical significance is uncertain. In summary, the available evidence is currently insufficient to determine the role of this variant in disease. Therefore, it has been classified as a Variant of Uncertain Significance.

NM_014845.6(FIG4):c.182A>G (p.Gln61Arg)

Gene: FIG4 (FIG4 phosphoinositide 5-phosphatase; plus strand). Cytogenetic location: 6q21.
Variant type: single nucleotide variant.
Coding change: c.182A>G on transcript NM_014845.6 (MANE Select); coding-DNA position 182, A replaced by G.
Protein change: p.Gln61Arg; replaces glutamine 61 with arginine.
Molecular consequence: missense variant.
Genome position (GRCh38, 1-based): chr6:109,716,461, A>G. VCF-style: chr6-109716461-A-G. GRCh37 (hg19) VCF-style: chr6-110037664-A-G.
Other names: short protein forms Q61R.
Identifiers: ClinVar variation 1005893 (VCV001005893.8), dbSNP rs1775433375, ClinGen allele CA365212143.
Genomic context (GRCh38, chr6:109,716,461, plus strand): 5'-AAAGTTTAAGCACAACCTTACAGAGTAAATGTGCTTATTCTTAGCATGTCTATACTCAAC[A>G]AGAAGTAAGGGAACTTCTTGGCCGCTTGGATCTTGGAAATAGAACAAAGATGGGACAGAA-3'
Protein context (NP_055660.1, residues 51-71): IIDDRHVYTQ[Gln61Arg]EVRELLGRLD